The following is an entry in ClinVar:

ClinVar aggregate classification (germline): Conflicting classifications of pathogenicity. Review status: criteria provided, conflicting classifications (1 of 4 stars). 2 submissions from 2 submitters: Uncertain significance (1); Likely benign (1). Last evaluated 2026-06-30.

Conditions:
Cardiovascular phenotype. Identifiers: MedGen CN230736.
Alstrom syndrome (ALMS). Identifiers: Orphanet 64, MedGen C0268425, MONDO:0008763, OMIM 203800.

Allele frequency attached by ClinVar (database versions not stated): ExAC 0.00001; ESP Exome Variant Server 0.00008; TOPMed 0.00002; gnomAD 0.00001; gnomAD exomes 0.00001.
gnomAD v4.1: 9 of 1,613,820 alleles (0.00056%); highest among the groups gnomAD compares: Non-Finnish European, 0.00076%; no homozygotes.

Submissions (2):

Ambry Genetics
Classification: Likely benign for Cardiovascular phenotype. Last evaluated: 2026-06-30. Review status: criteria provided, single submitter. Criteria: Ambry Variant Classification Scheme 2023. Collection method: clinical testing. Allele origin: germline.

Labcorp Genetics (formerly Invitae), Labcorp
Classification: Uncertain significance for Alstrom syndrome. Last evaluated: 2021-04-30. Review status: criteria provided, single submitter. Criteria: Invitae Variant Classification Sherloc (09022015). Collection method: clinical testing. Allele origin: germline.
Comment: This sequence change replaces valine with isoleucine at codon 999 of the ALMS1 protein (p.Val999Ile). The valine residue is weakly conserved and there is a small physicochemical difference between valine and isoleucine. This variant is present in population databases (rs374849950, ExAC 0.002%). This variant has not been reported in the literature in individuals with ALMS1-related conditions. Experimental studies and prediction algorithms are not available or were not evaluated, and the functional significance of this variant is currently unknown. In summary, the available evidence is currently insufficient to determine the role of this variant in disease. Therefore, it has been classified as a Variant of Uncertain Significance.

NM_001378454.1(ALMS1):c.2992G>A (p.Val998Ile)

Gene: ALMS1 (ALMS1 centrosome and basal body associated protein; plus strand). Cytogenetic location: 2p13.1.
Variant type: single nucleotide variant.
Coding change: c.2992G>A on transcript NM_001378454.1 (MANE Select); coding-DNA position 2992, G replaced by A.
Protein change: p.Val998Ile; replaces valine 998 with isoleucine.
Molecular consequence: missense variant.
Genome position (GRCh38, 1-based): chr2:73,449,519, G>A. VCF-style: chr2-73449519-G-A. GRCh37 (hg19) VCF-style: chr2-73676646-G-A.
Other names: c.2995G>A, p.Val999Ile (NM_015120.4); short protein forms V998I, V999I.
Identifiers: ClinVar variation 1491066 (VCV001491066.4), dbSNP rs374849950, ClinGen allele CA1713446.